The following is an entry in ClinVar:

ClinVar aggregate classification (germline): Uncertain significance (1 of 4 stars; one submission).

Conditions:
Developmental and epileptic encephalopathy, 30 (DEE30). Also called: Epileptic encephalopathy, early infantile, 30. Identifiers: MedGen C4225360, MONDO:0014595, OMIM 616341.

Submission:

Labcorp Genetics (formerly Invitae), Labcorp
Classification: Uncertain significance for Developmental and epileptic encephalopathy, 30. Last evaluated: 2023-11-08. Review status: criteria provided, single submitter. Criteria: Invitae Variant Classification Sherloc (09022015). Collection method: clinical testing. Allele origin: germline.
Comment: This sequence change replaces serine, which is neutral and polar, with arginine, which is basic and polar, at codon 504 of the SIK1 protein (p.Ser504Arg). This variant is not present in population databases (gnomAD no frequency). This variant has not been reported in the literature in individuals affected with SIK1-related conditions. Advanced modeling of protein sequence and biophysical properties (such as structural, functional, and spatial information, amino acid conservation, physicochemical variation, residue mobility, and thermodynamic stability) performed at Invitae indicates that this missense variant is not expected to disrupt SIK1 protein function with a negative predictive value of 95%. In summary, the available evidence is currently insufficient to determine the role of this variant in disease. Therefore, it has been classified as a Variant of Uncertain Significance.

NM_173354.5(SIK1):c.1510A>C (p.Ser504Arg)

Gene: SIK1 (salt inducible kinase 1; minus strand). Cytogenetic location: 21q22.3.
Variant type: single nucleotide variant.
Coding change: c.1510A>C on transcript NM_173354.5 (MANE Select); coding-DNA position 1510, A replaced by C.
Protein change: p.Ser504Arg; replaces serine 504 with arginine.
Molecular consequence: missense variant.
Genome position (GRCh38, 1-based): chr21:43,418,494, T>G on the plus strand (A>C on the coding strand, the complement: SIK1 is on the minus strand). VCF-style: chr21-43418494-T-G. GRCh37 (hg19) VCF-style: chr21-44838374-T-G.
Other names: short protein forms S504R.
Identifiers: ClinVar variation 2694271 (VCV002694271.3), dbSNP rs2516965412, ClinGen allele CA410607862.